The following is an entry in ClinVar:

NM_015978.3(TNNI3K):c.1484A>G (p.Asn495Ser)

Genes: FPGT-TNNI3K (FPGT-TNNI3K readthrough; plus strand), TNNI3K (TNNI3 interacting kinase; plus strand). Cytogenetic location: 1p31.1.
Variant type: single nucleotide variant.
Coding change: c.1484A>G on transcript NM_015978.3 (MANE Select); coding-DNA position 1484, A replaced by G.
Protein change: p.Asn495Ser; replaces asparagine 495 with serine.
Molecular consequence: missense variant.
Genome position (GRCh38, 1-based): chr1:74,369,402, A>G. VCF-style: chr1-74369402-A-G. GRCh37 (hg19) VCF-style: chr1-74835086-A-G.
Other names: c.1787A>G, p.Asn596Ser (NM_001112808.3, NM_001199327.2); short protein forms N495S, N596S.
Identifiers: ClinVar variation 3619504 (VCV003619504.2).

ClinVar aggregate classification (germline): Uncertain significance (1 of 4 stars; one submission).

gnomAD v4.1: 2 of 1,610,756 alleles (0.00012%); highest among the groups gnomAD compares: Non-Finnish European, 0.00017%; no homozygotes.

Submission:

Labcorp Genetics (formerly Invitae), Labcorp
Classification: Uncertain significance. Last evaluated: 2024-09-11. Review status: criteria provided, single submitter. Criteria: Invitae Variant Classification Sherloc (09022015). Collection method: clinical testing. Allele origin: germline.
Comment: This sequence change replaces asparagine, which is neutral and polar, with serine, which is neutral and polar, at codon 495 of the TNNI3K protein (p.Asn495Ser). This variant is not present in population databases (gnomAD no frequency). This variant has not been reported in the literature in individuals affected with TNNI3K-related conditions. Invitae Evidence Modeling of protein sequence and biophysical properties (such as structural, functional, and spatial information, amino acid conservation, physicochemical variation, residue mobility, and thermodynamic stability) indicates that this missense variant is not expected to disrupt TNNI3K protein function with a negative predictive value of 80%. In summary, the available evidence is currently insufficient to determine the role of this variant in disease. Therefore, it has been classified as a Variant of Uncertain Significance.